The following is an entry in ClinVar:

ClinVar aggregate classification (germline): Pathogenic (1 of 4 stars; one submission).

Conditions:
Autosomal recessive osteopetrosis 1. Also called: ALBERS-SCHONBERG DISEASE, AUTOSOMAL RECESSIVE; TCIRG1-Related Autosomal Recessive Osteopetrosis; TCIRG1-Related Osteopetrosis. Identifiers: Orphanet 667, MedGen C1850127, MONDO:0009815, OMIM 259700.

Submission:

Myriad Genetics, Inc.
Classification: Pathogenic for Autosomal recessive osteopetrosis 1. Last evaluated: 2023-09-27. Review status: criteria provided, single submitter. Criteria: Myriad Autosomal Dominant, Autosomal Recessive and X-Linked Classification Criteria (2023). Collection method: clinical testing. Allele origin: unknown.
Comment: NM_006019.3(TCIRG1):c.1424dupG(W476Lfs*14) is expected to be pathogenic in the context of autosomal recessive osteopetrosis type 1. This variant is predicted to lead to an abnormal or absent protein product due to the creation of a premature termination codon in TCIRG1, a gene where loss-of-function variants are known to be pathogenic. Please note: this variant was assessed in the context of healthy population screening.

NM_006019.4(TCIRG1):c.1424dup (p.Trp476fs)

Gene: TCIRG1 (T cell immune regulator 1, ATPase H+ transporting V0 subunit a3; plus strand). Cytogenetic location: 11q13.2.
Variant type: Duplication.
Coding change: c.1424dup on transcript NM_006019.4 (MANE Select); coding-DNA position 1424, one base duplicated (G; older notation c.1424dupG).
Protein change: p.Trp476fs; shifts the reading frame from tryptophan 476.
Molecular consequence: frameshift variant. On other transcripts: intron variant (2).
Genome position (GRCh38, 1-based): chr11:68,047,765, G duplicated; the last of 3 consecutive G bases (chr11:68,047,763-68,047,765); duplicating any one gives the same sequence. VCF-style (leftmost placement, unchanged base first): chr11-68047762-C-CG. GRCh37 (hg19) VCF-style: chr11-67815229-C-CG.
Other names: c.530dup, p.Trp178fs (NM_001351059.2); c.1424dup, p.Trp476fs (NM_001440552.1, NM_001440553.1, NM_001440554.1 and 2 more transcripts); c.1382dup, p.Trp462fs (NM_001440555.1, NM_001440556.1, NM_001440563.1); c.1211dup, p.Trp405fs (NM_001440559.1, NM_001440560.1, NM_001440561.1 and 2 more transcripts); c.1169dup, p.Trp391fs (NM_001440564.1); c.1124dup, p.Trp376fs (NM_001440565.1); c.956dup, p.Trp320fs (NM_001440568.1); c.776dup, p.Trp260fs (NM_006053.4); and 2 more; short protein forms W178fs, W260fs, W320fs, W376fs, W391fs, W405fs, W462fs, W476fs.
Identifiers: ClinVar variation 5012003 (VCV005012003.1).
Genomic context (GRCh38, chr11:68,047,762, plus strand): 5'-CCATCTACACCGGCTTCATCTACAACGAGTGCTTCAGTCGCGCCACCAGCATCTTCCCCT[C>CG]GGGCTGGAGTGTGGCCGCCATGGCCAACCAGTCTGGCTGGAGGTGAGGCCCGGGCCCCAG-3'